The following is an entry in ClinVar:

ClinVar aggregate classification (germline): Uncertain significance (1 of 4 stars; one submission).

Conditions:
Hereditary cancer-predisposing syndrome. Also called: Neoplastic Syndromes, Hereditary; Tumor predisposition; Hereditary Cancer Syndrome; Hereditary neoplastic syndrome. Identifiers: Orphanet 140162, MedGen C0027672, MeSH D009386, MONDO:0015356.

Submission:

Ambry Genetics
Classification: Uncertain significance for Hereditary cancer-predisposing syndrome. Last evaluated: 2024-09-01. Review status: criteria provided, single submitter. Criteria: Ambry Variant Classification Scheme 2023. Collection method: clinical testing. Allele origin: germline.
Comment: The p.E572D variant (also known as c.1716A>C), located in coding exon 14 of the POT1 gene, results from an A to C substitution at nucleotide position 1716. The glutamic acid at codon 572 is replaced by aspartic acid, an amino acid with highly similar properties. This amino acid position is conserved. In addition, this alteration is predicted to be tolerated by in silico analysis. Based on the available evidence, the clinical significance of this variant remains unclear.

NM_015450.3(POT1):c.1716A>C (p.Glu572Asp)

Gene: POT1 (protection of telomeres 1; minus strand). Cytogenetic location: 7q31.33.
Variant type: single nucleotide variant.
Coding change: c.1716A>C on transcript NM_015450.3 (MANE Select); coding-DNA position 1716, A replaced by C.
Protein change: p.Glu572Asp; replaces glutamic acid 572 with aspartic acid.
Molecular consequence: missense variant. On other transcripts: non-coding transcript variant (3).
Genome position (GRCh38, 1-based): chr7:124,825,328, T>G on the plus strand (A>C on the coding strand, the complement: POT1 is on the minus strand). VCF-style: chr7-124825328-T-G. GRCh37 (hg19) VCF-style: chr7-124465382-T-G.
Other names: c.1323A>C, p.Glu441Asp (NM_001042594.2); short protein forms E441D, E572D.
Identifiers: ClinVar variation 3423121 (VCV003423121.1).